The following is an entry in ClinVar:

ClinVar aggregate classification (germline): Uncertain significance (1 of 4 stars; one submission).

Conditions:
Tuberous sclerosis 2 (TSC2). Identifiers: Orphanet 805, MedGen C1860707, MONDO:0013199, OMIM 613254.

Submission:

Labcorp Genetics (formerly Invitae), Labcorp
Classification: Uncertain significance for Tuberous sclerosis 2. Last evaluated: 2024-03-13. Review status: criteria provided, single submitter. Criteria: Invitae Variant Classification Sherloc (09022015). Collection method: clinical testing. Allele origin: germline.
Comment: This sequence change replaces phenylalanine, which is neutral and non-polar, with valine, which is neutral and non-polar, at codon 1666 of the TSC2 protein (p.Phe1666Val). This variant is not present in population databases (gnomAD no frequency). This variant has not been reported in the literature in individuals affected with TSC2-related conditions. Advanced modeling of protein sequence and biophysical properties (such as structural, functional, and spatial information, amino acid conservation, physicochemical variation, residue mobility, and thermodynamic stability) has been performed at Invitae for this missense variant, however the output from this modeling did not meet the statistical confidence thresholds required to predict the impact of this variant on TSC2 protein function. In summary, the available evidence is currently insufficient to determine the role of this variant in disease. Therefore, it has been classified as a Variant of Uncertain Significance.

NM_000548.5(TSC2):c.4996T>G (p.Phe1666Val)

Gene: TSC2 (TSC complex subunit 2; plus strand). Cytogenetic location: 16p13.3.
Variant type: single nucleotide variant.
Coding change: c.4996T>G on transcript NM_000548.5 (MANE Select); coding-DNA position 4996, T replaced by G.
Protein change: p.Phe1666Val; replaces phenylalanine 1666 with valine.
Molecular consequence: missense variant. On other transcripts: non-coding transcript variant (5).
Genome position (GRCh38, 1-based): chr16:2,087,869, T>G. VCF-style: chr16-2087869-T-G. GRCh37 (hg19) VCF-style: chr16-2137870-T-G.
Other names: c.4336T>G, p.Phe1446Val (NM_001406681.1); c.4327T>G, p.Phe1443Val (NM_001406682.1, NM_001406683.1); c.4324T>G, p.Phe1442Val (NM_001406684.1); c.4198T>G, p.Phe1400Val (NM_001406685.1, NM_001406686.1); c.4195T>G, p.Phe1399Val (NM_001406687.1, NM_001406688.1); c.3583T>G, p.Phe1195Val (NM_001406689.1); c.4738T>G, p.Phe1580Val (NM_001406677.1); c.4684T>G, p.Phe1562Val (NM_001406678.1); and 26 more; short protein forms F1065V, F1175V, F1399V, F1422V, F1442V, F1466V, F1563V, F1599V.
Identifiers: ClinVar variation 3698664 (VCV003698664.2).
Genomic context (GRCh38, chr16:2,087,869, plus strand): 5'-TCAGCCTTCAGCACACGCTGTGTGCGGGGATGACCCTTTCTCTTGTCCGGGCAGGGCCAG[T>G]TCAACTTTGTCCACGTGATCGTCACCCCGCTGGACTACGAGTGCAACCTGGTGTCCCTGC-3'
Protein context (NP_000539.2, residues 1656-1676): DFKLGTIKGQ[Phe1666Val]NFVHVIVTPL